The following is an entry in ClinVar:

ClinVar aggregate classification (germline): Uncertain significance (1 of 4 stars; one submission).

Conditions:
Multiple sulfatase deficiency (MSD). Also called: Mucosulfatidosis; Multiple Sulfatase Deficiency Disease; Sulfatidosis, Juvenile, Austin Type. Identifiers: Orphanet 585, MedGen C0268263, MONDO:0010088, OMIM 272200.

gnomAD v4.1: 1 of 1,614,054 alleles (0.000062%); highest among the groups gnomAD compares: Non-Finnish European, 0.000085%; no homozygotes.

Submission:

Labcorp Genetics (formerly Invitae), Labcorp
Classification: Uncertain significance for Multiple sulfatase deficiency. Last evaluated: 2022-06-13. Review status: criteria provided, single submitter. Criteria: Invitae Variant Classification Sherloc (09022015). Collection method: clinical testing. Allele origin: germline.
Comment: This sequence change replaces valine, which is neutral and non-polar, with isoleucine, which is neutral and non-polar, at codon 308 of the SUMF1 protein (p.Val308Ile). This variant is not present in population databases (gnomAD no frequency). This variant has not been reported in the literature in individuals affected with SUMF1-related conditions. Algorithms developed to predict the effect of missense changes on protein structure and function output the following: SIFT: "Tolerated"; PolyPhen-2: "Benign"; Align-GVGD: "Class C0". The isoleucine amino acid residue is found in multiple mammalian species, which suggests that this missense change does not adversely affect protein function. In summary, the available evidence is currently insufficient to determine the role of this variant in disease. Therefore, it has been classified as a Variant of Uncertain Significance.

NM_182760.4(SUMF1):c.922G>A (p.Val308Ile)

Gene: SUMF1 (sulfatase modifying factor 1; minus strand). Cytogenetic location: 3p26.1.
Variant type: single nucleotide variant.
Coding change: c.922G>A on transcript NM_182760.4 (MANE Select); coding-DNA position 922, G replaced by A.
Protein change: p.Val308Ile; replaces valine 308 with isoleucine.
Molecular consequence: missense variant.
Genome position (GRCh38, 1-based): chr3:4,410,897, C>T on the plus strand (G>A on the coding strand, the complement: SUMF1 is on the minus strand). VCF-style: chr3-4410897-C-T. GRCh37 (hg19) VCF-style: chr3-4452581-C-T.
Other names: c.847G>A, p.Val283Ile (NM_001164674.2); c.922G>A, p.Val308Ile (NM_001164675.2); short protein forms V308I, V283I.
Identifiers: ClinVar variation 2005421 (VCV002005421.4), dbSNP rs2469825663, ClinGen allele CA351631214.